The following is an entry in ClinVar:

NM_000465.4(BARD1):c.1288A>C (p.Thr430Pro)

Gene: BARD1 (BRCA1 associated RING domain 1; minus strand). Cytogenetic location: 2q35.
Variant type: single nucleotide variant.
Coding change: c.1288A>C on transcript NM_000465.4 (MANE Select); coding-DNA position 1288, A replaced by C.
Protein change: p.Thr430Pro; replaces threonine 430 with proline.
Molecular consequence: missense variant. On other transcripts: non-coding transcript variant (2), intron variant (3).
Genome position (GRCh38, 1-based): chr2:214,780,586, T>G on the plus strand (A>C on the coding strand, the complement: BARD1 is on the minus strand). VCF-style: chr2-214780586-T-G. GRCh37 (hg19) VCF-style: chr2-215645310-T-G.
Other names: c.1231A>C, p.Thr411Pro (NM_001282543.2); c.159-28031A>C (NM_001282548.2); c.215+16475A>C (NM_001282545.2); c.364+11711A>C (NM_001282549.2); short protein forms T411P, T430P.
Identifiers: ClinVar variation 2829384 (VCV002829384.3), dbSNP rs1574815970, ClinGen allele CA350453366.

ClinVar aggregate classification (germline): Uncertain significance (1 of 4 stars; one submission).

Conditions:
Familial cancer of breast. Also called: hereditary breast carcinoma; BREAST CANCER, FAMILIAL; Hereditary breast cancer. Identifiers: Orphanet 227535, MedGen C0346153, MONDO:0016419, OMIM 114480. Disease mechanism: loss of function.

Submission:

Labcorp Genetics (formerly Invitae), Labcorp
Classification: Uncertain significance for Familial cancer of breast. Last evaluated: 2023-01-17. Review status: criteria provided, single submitter. Criteria: Invitae Variant Classification Sherloc (09022015). Collection method: clinical testing. Allele origin: germline.
Comment: In summary, the available evidence is currently insufficient to determine the role of this variant in disease. Therefore, it has been classified as a Variant of Uncertain Significance. Algorithms developed to predict the effect of missense changes on protein structure and function (SIFT, PolyPhen-2, Align-GVGD) all suggest that this variant is likely to be disruptive. This variant has not been reported in the literature in individuals affected with BARD1-related conditions. This variant is not present in population databases (gnomAD no frequency). This sequence change replaces threonine, which is neutral and polar, with proline, which is neutral and non-polar, at codon 430 of the BARD1 protein (p.Thr430Pro).